The following is an entry in ClinVar:

NM_000154.2(GALK1):c.901A>T (p.Arg301Ter)

Gene: GALK1 (galactokinase 1; minus strand). Cytogenetic location: 17q25.1.
Variant type: single nucleotide variant.
Coding change: c.901A>T on transcript NM_000154.2 (MANE Select); coding-DNA position 901, A replaced by T.
Protein change: p.Arg301Ter; replaces arginine 301 with a stop codon.
Molecular consequence: nonsense.
Genome position (GRCh38, 1-based): chr17:75,758,492, T>A on the plus strand (A>T on the coding strand, the complement: GALK1 is on the minus strand). VCF-style: chr17-75758492-T-A. GRCh37 (hg19) VCF-style: chr17-73754573-T-A.
Other names: c.901A>T, p.Arg301Ter (NM_001381985.1); short protein forms R301*.
Identifiers: ClinVar variation 2675798 (VCV002675798.4), dbSNP rs1224987754, ClinGen allele CA401099948.
Genomic context (GRCh38, chr17:75,758,492, plus strand): 5'-CGCCCAGAGGGCCTCACCTGAGTGAGCGGTGGCTCTCCACCATGAGGCGGCCAAAGGCTC[T>A]GTAGTCGCCACGTCTCAGGGCGGCCGCTGCCTGGGCCGTGCGCCGAATCTCCCCCACCAC-3'

ClinVar aggregate classification (germline): Pathogenic/Likely pathogenic. Review status: criteria provided, multiple submitters, no conflicts (2 of 4 stars). 2 submissions from 2 submitters: Pathogenic (1); Likely pathogenic (1). Last evaluated 2024-02-25.

Conditions:
Deficiency of galactokinase. Also called: GALACTOSEMIA II; Galactokinase deficiency with cataracts. Identifiers: Orphanet 352, Orphanet 79237, MedGen C0268155, MONDO:0009255, OMIM 230200.

Allele frequency attached by ClinVar (database versions not stated): gnomAD exomes below 0.00001.
gnomAD v4.1: 1 of 1,578,778 alleles (0.000063%); highest among the groups gnomAD compares: East Asian, 0.0023%; no homozygotes.

Submissions (2):

Labcorp Genetics (formerly Invitae), Labcorp
Classification: Pathogenic for Deficiency of galactokinase. Last evaluated: 2024-02-25. Review status: criteria provided, single submitter. Criteria: Invitae Variant Classification Sherloc (09022015). Collection method: clinical testing. Allele origin: germline.
Comment: This sequence change creates a premature translational stop signal (p.Arg301*) in the GALK1 gene. It is expected to result in an absent or disrupted protein product. Loss-of-function variants in GALK1 are known to be pathogenic (PMID: 7670469, 10790206). This variant is present in population databases (no rsID available, gnomAD 0.02%). This variant has not been reported in the literature in individuals affected with GALK1-related conditions. For these reasons, this variant has been classified as Pathogenic.

Baylor Genetics
Classification: Likely pathogenic for Deficiency of galactokinase. Last evaluated: 2024-01-24. Review status: criteria provided, single submitter. Criteria: ACMG Guidelines, 2015. Collection method: clinical testing. Allele origin: unknown.

Literature cited by the submitters: PubMed 7670469 (cited by Labcorp Genetics (formerly Invitae), Labcorp); PubMed 10790206 (cited by Labcorp Genetics (formerly Invitae), Labcorp).